The following is an entry in ClinVar:

NM_000043.6(FAS):c.857G>A (p.Gly286Glu)

Gene: FAS (Fas cell surface death receptor; plus strand). Cytogenetic location: 10q23.31.
Variant type: single nucleotide variant.
Coding change: c.857G>A on transcript NM_000043.6 (MANE Select); coding-DNA position 857, G replaced by A.
Protein change: p.Gly286Glu; replaces glycine 286 with glutamic acid.
Molecular consequence: missense variant. On other transcripts: 3 prime UTR variant (2), non-coding transcript variant (7).
Genome position (GRCh38, 1-based): chr10:89,014,299, G>A. VCF-style: chr10-89014299-G-A. GRCh37 (hg19) VCF-style: chr10-90774056-G-A.
Other names: c.*180G>A (NM_001320619.2); c.902G>A, p.Gly301Glu (NM_001410956.1); c.794G>A, p.Gly265Glu (NM_152871.4); c.*169G>A (NM_152872.4); short protein forms G301E, G265E, G286E.
Identifiers: ClinVar variation 2083676 (VCV002083676.4), dbSNP rs2119446879, ClinGen allele CA377509970.

ClinVar aggregate classification (germline): Pathogenic (1 of 4 stars; one submission).

Conditions:
Autoimmune lymphoproliferative syndrome type 1. Also called: AUTOIMMUNE LYMPHOPROLIFERATIVE SYNDROME, TYPE I, AUTOSOMAL DOMINANT. Identifiers: Orphanet 3261, MedGen C2717884, MONDO:0011158, OMIM 601859.

Submission:

Labcorp Genetics (formerly Invitae), Labcorp
Classification: Pathogenic for Autoimmune lymphoproliferative syndrome. Last evaluated: 2024-02-24. Review status: criteria provided, single submitter. Criteria: Invitae Variant Classification Sherloc (09022015). Collection method: clinical testing. Allele origin: germline.
Comment: This sequence change replaces glycine, which is neutral and non-polar, with glutamic acid, which is acidic and polar, at codon 286 of the FAS protein (p.Gly286Glu). This variant is not present in population databases (gnomAD no frequency). This missense change has been observed in individual(s) with autosomal dominant autoimmune lymphoproliferative syndrome (PMID: 35967554). In at least one individual the variant was observed to be de novo. ClinVar contains an entry for this variant (Variation ID: 2083676). Advanced modeling of protein sequence and biophysical properties (such as structural, functional, and spatial information, amino acid conservation, physicochemical variation, residue mobility, and thermodynamic stability) performed at Invitae indicates that this missense variant is expected to disrupt FAS protein function with a positive predictive value of 95%. For these reasons, this variant has been classified as Pathogenic.

Literature cited by the submitters: PubMed 35967554.